The following is an entry in ClinVar:

ClinVar aggregate classification (germline): Benign/Likely benign. Review status: criteria provided, multiple submitters, no conflicts (2 of 4 stars). 26 submissions from 19 submitters: Benign (18); Likely benign (4). 4 of the submissions do not count toward it. Last evaluated 2026-02-04.

Conditions:
Dilated cardiomyopathy 1G (CMD1G). Identifiers: Orphanet 154, MedGen C1858763, MONDO:0011400, OMIM 604145.
Autosomal recessive limb-girdle muscular dystrophy type 2J (LGMDR10). Also called: MUSCULAR DYSTROPHY, LIMB-GIRDLE, AUTOSOMAL RECESSIVE 10; Limb-girdle muscular dystrophy, type 2J. Identifiers: Orphanet 140922, MedGen C1837342, MONDO:0012127, OMIM 608807.
Cardiovascular phenotype. Identifiers: MedGen CN230736.
Early-onset myopathy with fatal cardiomyopathy (CMYO5). Also called: CONGENITAL MYOPATHY 5 WITH CARDIOMYOPATHY; Salih Myopathy. Identifiers: Orphanet 289377, MedGen C2673677, MONDO:0012714, OMIM 611705. Disease mechanism: loss of function.
Myopathy, myofibrillar, 9, with early respiratory failure (MFM9). Also called: Myopathy, distal, with early respiratory failure, autosomal dominant; Hereditary myopathy with early respiratory failure; MYOPATHY, PROXIMAL, WITH EARLY RESPIRATORY MUSCLE INVOLVEMENT; EDSTROM MYOPATHY. Identifiers: Orphanet 178464, Orphanet 34521, MedGen C1863599, MONDO:0011362, OMIM 603689.
Tibial muscular dystrophy (TMD). Also called: Udd Distal Myopathy – Tibial Muscular Dystrophy; Tibial muscular dystrophy, tardive; UDD MYOPATHY. Identifiers: Orphanet 609, MedGen C1838244, MONDO:0010870, OMIM 600334.

Allele frequency attached by ClinVar (database versions not stated): gnomAD exomes 0.00117 and 0.00318; ExAC 0.00395; 1000 Genomes Project 0.01657; 1000 Genomes Project 30x 0.01827; ESP Exome Variant Server 0.01170; gnomAD 0.01203 and 0.01294; TOPMed 0.01387.
gnomAD v4.1: 3,563 of 1,579,350 alleles (0.23%); highest among the groups gnomAD compares: African/African-American, 4.3%; 73 homozygotes.

Submissions (26):

Labcorp Genetics (formerly Invitae), Labcorp
Classification: Benign for Dilated cardiomyopathy 1G; Autosomal recessive limb-girdle muscular dystrophy type 2J. Last evaluated: 2026-02-04. Review status: criteria provided, single submitter. Criteria: Invitae Variant Classification Sherloc (09022015). Collection method: clinical testing. Allele origin: germline.

Molecular Diagnostic Laboratory for Inherited Cardiovascular Disease, Montreal Heart Institute
Classification: Benign. Last evaluated: 2025-04-09. Review status: criteria provided, single submitter. Criteria: ACMG Guidelines, 2015. Collection method: clinical testing. Allele origin: germline. Affected: no.

ARUP Laboratories, Molecular Genetics and Genomics, ARUP Laboratories
Classification: Benign. Last evaluated: 2025-04-08. Review status: criteria provided, single submitter. Criteria: ARUP Molecular Germline Variant Investigation Process 2024. Collection method: clinical testing. Allele origin: germline.

Athena Diagnostics
Classification: Benign. Last evaluated: 2024-12-17. Review status: criteria provided, single submitter. Criteria: Athena Diagnostics Criteria. Collection method: clinical testing. Allele origin: unknown.
Comment: The frequency of this variant in the general population is higher than would generally be expected for pathogenic variants in this gene.

Blueprint Genetics
Classification: Likely benign. Last evaluated: 2024-11-14. Review status: criteria provided, single submitter. Criteria: ACMG Guidelines, 2015. Collection method: clinical testing. Allele origin: germline.

Mayo Clinic Laboratories, Mayo Clinic
Classification: Benign. Last evaluated: 2022-05-02. Review status: criteria provided, single submitter. Criteria: ACMG Guidelines, 2015. Collection method: clinical testing. Allele origin: germline. Observed: 32 variant alleles.
Comment: BS1, BS2

Genetic Services Laboratory, University of Chicago
Classification: Benign. Last evaluated: 2021-11-21. Review status: criteria provided, single submitter. Criteria: ACMG Guidelines, 2015. Collection method: clinical testing. Allele origin: germline. Affected: no.

Genome-Nilou Lab
Classification: Benign for Autosomal recessive limb-girdle muscular dystrophy type 2J. Last evaluated: 2021-09-10. Review status: criteria provided, single submitter. Criteria: ACMG Guidelines, 2015. Collection method: clinical testing. Allele origin: germline. Affected: no.

Genome-Nilou Lab
Classification: Benign for Myopathy, myofibrillar, 9, with early respiratory failure. Last evaluated: 2021-09-10. Review status: criteria provided, single submitter. Criteria: ACMG Guidelines, 2015. Collection method: clinical testing. Allele origin: germline. Affected: no.

Genome-Nilou Lab
Classification: Benign for Early-onset myopathy with fatal cardiomyopathy. Last evaluated: 2021-09-10. Review status: criteria provided, single submitter. Criteria: ACMG Guidelines, 2015. Collection method: clinical testing. Allele origin: germline. Affected: no.

Genome-Nilou Lab
Classification: Benign for Tibial muscular dystrophy. Last evaluated: 2021-09-10. Review status: criteria provided, single submitter. Criteria: ACMG Guidelines, 2015. Collection method: clinical testing. Allele origin: germline. Affected: no.

Women's Health and Genetics/Laboratory Corporation of America, LabCorp
Classification: Likely benign. Last evaluated: 2021-01-07. Review status: criteria provided, single submitter. Criteria: LabCorp Variant Classification Summary - May 2015. Collection method: clinical testing. Allele origin: germline.

Illumina Laboratory Services, Illumina
Classification: Benign for Tibial muscular dystrophy. Last evaluated: 2018-01-13. Review status: criteria provided, single submitter. Criteria: ICSL Variant Classification Criteria 13 December 2019. Collection method: clinical testing. Allele origin: germline.
Comment: This variant was observed in the ICSL laboratory as part of a predisposition screen in an ostensibly healthy population. It had not been previously curated by ICSL or reported in the Human Gene Mutation Database (HGMD: prior to June 1st, 2018), and was therefore a candidate for classification through an automated scoring system. Utilizing variant allele frequency, disease prevalence and penetrance estimates, and inheritance mode, an automated score was calculated to assess if this variant is too frequent to cause the disease. Based on the score and internal cut-off values, a variant classified as benign is not then subjected to further curation. The score for this variant resulted in a classification of benign for this disease.

Illumina Laboratory Services, Illumina
Classification: Likely benign for Dilated cardiomyopathy 1G. Last evaluated: 2018-01-13. Review status: criteria provided, single submitter. Criteria: ICSL Variant Classification Criteria 13 December 2019. Collection method: clinical testing. Allele origin: germline.
Comment: This variant was observed in the ICSL laboratory as part of a predisposition screen in an ostensibly healthy population. It had not been previously curated by ICSL or reported in the Human Gene Mutation Database (HGMD: prior to June 1st, 2018), and was therefore a candidate for classification through an automated scoring system. Utilizing variant allele frequency, disease prevalence and penetrance estimates, and inheritance mode, an automated score was calculated to assess if this variant is too frequent to cause the disease. Based on the score and internal cut-off values, a variant classified as likely benign is not then subjected to further curation. The score for this variant resulted in a classification of likely benign for this disease.

Illumina Laboratory Services, Illumina
Classification: Benign for Autosomal recessive limb-girdle muscular dystrophy type 2J. Last evaluated: 2018-01-13. Review status: criteria provided, single submitter. Criteria: ICSL Variant Classification Criteria 13 December 2019. Collection method: clinical testing. Allele origin: germline.
Comment: the same text as in the submission from Illumina Laboratory Services, Illumina above.

Illumina Laboratory Services, Illumina
Classification: Benign for Myopathy, myofibrillar, 9, with early respiratory failure. Last evaluated: 2018-01-13. Review status: criteria provided, single submitter. Criteria: ICSL Variant Classification Criteria 13 December 2019. Collection method: clinical testing. Allele origin: germline.
Comment: the same text as in the submission from Illumina Laboratory Services, Illumina above.

Illumina Laboratory Services, Illumina
Classification: Benign for Early-onset myopathy with fatal cardiomyopathy. Last evaluated: 2018-01-13. Review status: criteria provided, single submitter. Criteria: ICSL Variant Classification Criteria 13 December 2019. Collection method: clinical testing. Allele origin: germline.
Comment: the same text as in the submission from Illumina Laboratory Services, Illumina above.

GeneDx
Classification: Benign. Last evaluated: 2014-06-03. Review status: criteria provided, single submitter. Criteria: GeneDx Variant Classification (06012015). Collection method: clinical testing. Allele origin: germline. Affected: yes.
Comment: This variant is considered likely benign or benign based on one or more of the following criteria: it is a conservative change, it occurs at a poorly conserved position in the protein, it is predicted to be benign by multiple in silico algorithms, and/or has population frequency not consistent with disease.

Ambry Genetics
Classification: Benign for Cardiovascular phenotype. Last evaluated: 2013-10-17. Review status: criteria provided, single submitter. Criteria: Ambry Autosomal Dominant and X-Linked criteria (10/2015). Collection method: clinical testing. Allele origin: germline. Observed: 1 variant allele.

Biesecker Lab/Clinical Genomics Section, National Institutes of Health
Classification: Benign. Last evaluated: 2013-06-24. Review status: criteria provided, single submitter. Criteria: Ng et al. (Circ Cardiovasc Genet. 2013). Collection method: research. Allele origin: unknown. Observed: 1 variant allele. Study: ClinSeq.
Comment: The study set was not selected for affection status in relation to any cancer. Pathogenicity categories were based on literature curation. See Pubmed ID:23861362 for details.

Medical sequencing

Laboratory for Molecular Medicine, Mass General Brigham Personalized Medicine
Classification: Benign. Last evaluated: 2012-07-03. Review status: criteria provided, single submitter. Criteria: LMM Criteria. Collection method: clinical testing. Allele origin: germline. Observed: 21 variant alleles.
Comment: 3.5% (145/4124) of Afr Amer chrom from ESP

Breakthrough Genomics
Classification: Likely benign. Review status: criteria provided, single submitter. Criteria: ACMG Guidelines, 2015. Collection method: not provided. Allele origin: germline. Inheritance: Autosomal recessive inheritance. Affected: yes.

Clinical Genetics DNA and cytogenetics Diagnostics Lab, Erasmus MC, Erasmus Medical Center
Classification: Benign. Review status: no assertion criteria provided. Collection method: clinical testing. Allele origin: germline. Affected: yes. Study: VKGL Data-share Consensus. Not counted in ClinVar's aggregate classification.

Clinical Genetics, Academic Medical Center
Classification: Benign. Review status: no assertion criteria provided. Collection method: clinical testing. Allele origin: germline. Affected: yes. Study: VKGL Data-share Consensus. Not counted in ClinVar's aggregate classification.

Joint Genome Diagnostic Labs from Nijmegen and Maastricht, Radboudumc and MUMC+
Classification: Benign. Review status: no assertion criteria provided. Collection method: clinical testing. Allele origin: germline. Affected: yes. Study: VKGL Data-share Consensus. Not counted in ClinVar's aggregate classification.

Laboratory of Diagnostic Genome Analysis, Leiden University Medical Center (LUMC)
Classification: Likely benign. Review status: no assertion criteria provided. Collection method: clinical testing. Allele origin: germline. Affected: yes. Study: VKGL Data-share Consensus. Not counted in ClinVar's aggregate classification.

NM_001267550.2(TTN):c.19976C>T (p.Thr6659Met)

Genes: TTN (titin; minus strand), LOC126806429 (BRD4-independent group 4 enhancer GRCh37_chr2:179591393-179592592; plus strand). Cytogenetic location: 2q31.2.
Variant type: single nucleotide variant.
Coding change: c.19976C>T on transcript NM_001267550.2 (MANE Select); coding-DNA position 19976, C replaced by T.
Protein change: p.Thr6659Met; replaces threonine 6659 with methionine.
Molecular consequence: missense variant. On other transcripts: intron variant (3).
Genome position (GRCh38, 1-based): chr2:178,727,602, G>A on the plus strand (C>T on the coding strand, the complement: TTN is on the minus strand). VCF-style: chr2-178727602-G-A. GRCh37 (hg19) VCF-style: chr2-179592329-G-A.
Other names: p.T5415M:ACG>ATG; c.19025C>T, p.Thr6342Met (NM_001256850.1); c.16244C>T, p.Thr5415Met (NM_133378.4); c.13282+10480C>T (NM_003319.4); c.13858+10480C>T (NM_133437.4); c.13657+10480C>T (NM_133432.3); short protein forms T6659M, T5415M, T6342M.
Identifiers: ClinVar variation 46664 (VCV000046664.50), dbSNP rs16866475, ClinGen allele CA282768.